The following is an entry in ClinVar:

NM_031935.3(HMCN1):c.15265A>G (p.Ser5089Gly)

Gene: HMCN1 (hemicentin 1; plus strand). Cytogenetic location: 1q31.1.
Variant type: single nucleotide variant.
Coding change: c.15265A>G on transcript NM_031935.3 (MANE Select); coding-DNA position 15265, A replaced by G.
Protein change: p.Ser5089Gly; replaces serine 5089 with glycine.
Molecular consequence: missense variant.
Genome position (GRCh38, 1-based): chr1:186,165,119, A>G. VCF-style: chr1-186165119-A-G. GRCh37 (hg19) VCF-style: chr1-186134251-A-G.
Other names: short protein forms S5089G.
Identifiers: ClinVar variation 1962548 (VCV001962548.5), dbSNP rs749090856, ClinGen allele CA343927436.

ClinVar aggregate classification (germline): Uncertain significance (1 of 4 stars; one submission).

gnomAD v4.1: 3 of 1,613,986 alleles (0.00019%); highest among the groups gnomAD compares: African/African-American, 0.004%; no homozygotes.

Submission:

Labcorp Genetics (formerly Invitae), Labcorp
Classification: Uncertain significance. Last evaluated: 2022-09-21. Review status: criteria provided, single submitter. Criteria: Invitae Variant Classification Sherloc (09022015). Collection method: clinical testing. Allele origin: germline.
Comment: This variant is present in population databases (no rsID available, gnomAD 0.03%). This sequence change replaces serine, which is neutral and polar, with glycine, which is neutral and non-polar, at codon 5089 of the HMCN1 protein (p.Ser5089Gly). This variant has not been reported in the literature in individuals affected with HMCN1-related conditions. In summary, the available evidence is currently insufficient to determine the role of this variant in disease. Therefore, it has been classified as a Variant of Uncertain Significance. Algorithms developed to predict the effect of missense changes on protein structure and function are either unavailable or do not agree on the potential impact of this missense change (SIFT: "Deleterious"; PolyPhen-2: "Possibly Damaging"; Align-GVGD: "Class C0").